The following is an entry in ClinVar:

NM_000373.4(UMPS):c.1374T>C (p.Asp458=)

Gene: UMPS (uridine monophosphate synthetase; plus strand). Cytogenetic location: 3q21.2.
Variant type: single nucleotide variant.
Coding change: c.1374T>C on transcript NM_000373.4 (MANE Select); coding-DNA position 1374, T replaced by C.
Protein change: p.Asp458=; no amino-acid change (aspartic acid 458 retained).
Molecular consequence: synonymous variant. On other transcripts: non-coding transcript variant (2).
Genome position (GRCh38, 1-based): chr3:124,744,015, T>C. VCF-style: chr3-124744015-T-C. GRCh37 (hg19) VCF-style: chr3-124462862-T-C.
Identifiers: ClinVar variation 342936 (VCV000342936.15), dbSNP rs200608473, ClinGen allele CA2581889.
Genomic context (GRCh38, chr3:124,744,015, plus strand): 5'-TATTGGCAAACGAGGTTCCGATATCATCATTGTAGGTCGTGGCATAATCTCAGCAGCTGA[T>C]CGTCTGGAAGCAGCAGAGATGTACAGAAAAGCTGCTTGGGAAGCGTATTTGAGTAGACTT-3'
Protein context (NP_000364.1, residues 448-468): IVGRGIISAA[Asp458=]RLEAAEMYRK

ClinVar aggregate classification (germline): Benign/Likely benign. Review status: criteria provided, multiple submitters, no conflicts (2 of 4 stars). 3 submissions from 3 submitters: Benign (1); Likely benign (2). Last evaluated 2024-04-09.

Conditions:
Oroticaciduria. Also called: Orotic aciduria. Identifiers: Orphanet 30, MedGen C0268128, HP:0003218.
Hereditary orotic aciduria, type 1. Also called: Orotic aciduria type 1; Oroticaciduria 1. Identifiers: MedGen C0268130.

Allele frequency attached by ClinVar (database versions not stated): gnomAD 0.00013 and 0.00017; gnomAD exomes 0.00013 and 0.00036; TOPMed 0.00018; ExAC 0.00030; 1000 Genomes Project 0.00060; 1000 Genomes Project 30x 0.00078.
gnomAD v4.1: 210 of 1,614,240 alleles (0.013%); highest among the groups gnomAD compares: East Asian, 0.45%; no homozygotes.

Submissions (3):

Blueprint Genetics
Classification: Likely benign. Last evaluated: 2024-04-09. Review status: criteria provided, single submitter. Criteria: ACMG Guidelines, 2015. Collection method: clinical testing. Allele origin: germline.

Labcorp Genetics (formerly Invitae), Labcorp
Classification: Benign for Hereditary orotic aciduria, type 1. Last evaluated: 2021-11-07. Review status: criteria provided, single submitter. Criteria: Invitae Variant Classification Sherloc (09022015). Collection method: clinical testing. Allele origin: germline.

Illumina Laboratory Services, Illumina
Classification: Likely benign for Hereditary orotic aciduria. Last evaluated: 2018-01-12. Review status: criteria provided, single submitter. Criteria: ICSL Variant Classification Criteria 13 December 2019. Collection method: clinical testing. Allele origin: germline.
Comment: This variant was observed in the ICSL laboratory as part of a predisposition screen in an ostensibly healthy population. It had not been previously curated by ICSL or reported in the Human Gene Mutation Database (HGMD: prior to June 1st, 2018), and was therefore a candidate for classification through an automated scoring system. Utilizing variant allele frequency, disease prevalence and penetrance estimates, and inheritance mode, an automated score was calculated to assess if this variant is too frequent to cause the disease. Based on the score and internal cut-off values, a variant classified as likely benign is not then subjected to further curation. The score for this variant resulted in a classification of likely benign for this disease.